The following is an entry in ClinVar:

NM_006648.4(WNK2):c.3058G>A (p.Gly1020Arg)

Gene: WNK2 (WNK lysine deficient protein kinase 2; plus strand). Cytogenetic location: 9q22.31.
Variant type: single nucleotide variant.
Coding change: c.3058G>A on transcript NM_006648.4 (MANE Select); coding-DNA position 3058, G replaced by A.
Protein change: p.Gly1020Arg; replaces glycine 1020 with arginine.
Molecular consequence: missense variant.
Genome position (GRCh38, 1-based): chr9:93,259,606, G>A. VCF-style: chr9-93259606-G-A. GRCh37 (hg19) VCF-style: chr9-96021888-G-A.
Other names: c.3058G>A, p.Gly1020Arg (NM_001282394.3); short protein forms G1020R.
Identifiers: ClinVar variation 3470134 (VCV003470134.1).

ClinVar aggregate classification (germline): Uncertain significance (1 of 4 stars; one submission).

gnomAD v4.1: 10 of 1,582,442 alleles (0.00063%); highest among the groups gnomAD compares: Non-Finnish European, 0.00077%; no homozygotes.

Submission:

Ambry Genetics
Classification: Uncertain significance. Last evaluated: 2024-11-17. Review status: criteria provided, single submitter. Criteria: Ambry Variant Classification Scheme 2023. Collection method: clinical testing. Allele origin: germline.
Comment: The p.G1020R variant (also known as c.3058G>A), located in coding exon 11 of the WNK2 gene, results from a G to A substitution at nucleotide position 3058. The glycine at codon 1020 is replaced by arginine, an amino acid with dissimilar properties. This amino acid position is conserved. In addition, the in silico prediction for this alteration is inconclusive. Based on the available evidence, the clinical significance of this variant remains unclear.